The following is an entry in ClinVar:

ClinVar aggregate classification (germline): Uncertain significance (1 of 4 stars; one submission).

Allele frequency attached by ClinVar (database versions not stated): gnomAD exomes below 0.00001.
gnomAD v4.1: 4 of 1,605,474 alleles (0.00025%); highest among the groups gnomAD compares: Admixed American, 0.0051%; no homozygotes.

Submission:

Labcorp Genetics (formerly Invitae), Labcorp
Classification: Uncertain significance. Last evaluated: 2024-04-16. Review status: criteria provided, single submitter. Criteria: Invitae Variant Classification Sherloc (09022015). Collection method: clinical testing. Allele origin: germline.
Comment: This sequence change replaces arginine, which is basic and polar, with glycine, which is neutral and non-polar, at codon 661 of the ASXL1 protein (p.Arg661Gly). This variant is not present in population databases (gnomAD no frequency). This variant has not been reported in the literature in individuals affected with ASXL1-related conditions. Algorithms developed to predict the effect of missense changes on protein structure and function output the following: SIFT: "Not Available"; PolyPhen-2: "Probably Damaging"; Align-GVGD: "Not Available". The glycine amino acid residue is found in multiple mammalian species, which suggests that this missense change does not adversely affect protein function. In summary, the available evidence is currently insufficient to determine the role of this variant in disease. Therefore, it has been classified as a Variant of Uncertain Significance.

NM_015338.6(ASXL1):c.1981A>G (p.Arg661Gly)

Gene: ASXL1 (ASXL transcriptional regulator 1; plus strand). Cytogenetic location: 20q11.21.
Variant type: single nucleotide variant.
Coding change: c.1981A>G on transcript NM_015338.6 (MANE Select); coding-DNA position 1981, A replaced by G.
Protein change: p.Arg661Gly; replaces arginine 661 with glycine.
Molecular consequence: missense variant.
Genome position (GRCh38, 1-based): chr20:32,434,693, A>G. VCF-style: chr20-32434693-A-G. GRCh37 (hg19) VCF-style: chr20-31022496-A-G.
Other names: c.1798A>G, p.Arg600Gly (NM_001363734.1); short protein forms R600G, R661G.
Identifiers: ClinVar variation 2793340 (VCV002793340.3), dbSNP rs991997701, ClinGen allele CA313926279.